The following is an entry in ClinVar:

NM_000257.4(MYH7):c.1319T>C (p.Val440Ala)

Gene: MYH7 (myosin heavy chain 7; minus strand). Cytogenetic location: 14q11.2.
Variant type: single nucleotide variant.
Coding change: c.1319T>C on transcript NM_000257.4 (MANE Select); coding-DNA position 1319, T replaced by C.
Protein change: p.Val440Ala; replaces valine 440 with alanine.
Molecular consequence: missense variant.
Genome position (GRCh38, 1-based): chr14:23,429,043, A>G on the plus strand (T>C on the coding strand, the complement: MYH7 is on the minus strand). VCF-style: chr14-23429043-A-G. GRCh37 (hg19) VCF-style: chr14-23898252-A-G.
Other names: c.1319T>C (NM_000257.2); short protein forms V440A.
Identifiers: ClinVar variation 1005860 (VCV001005860.12), dbSNP rs1244840759, ClinGen allele CA389050869.

ClinVar aggregate classification (germline): Conflicting classifications of pathogenicity. Review status: criteria provided, conflicting classifications (1 of 4 stars). 5 submissions from 5 submitters: Pathogenic (1); Likely pathogenic (1); Uncertain significance (1). 2 of the submissions do not count toward it. Last evaluated 2025-12-15.

Conditions:
Hypertrophic cardiomyopathy. Also called: HYPERTROPHIC MYOCARDIOPATHY. Identifiers: Orphanet 217569, MedGen C0007194, MeSH D002312, MONDO:0005045, HP:0001639.
Cardiovascular phenotype. Identifiers: MedGen CN230736.

Allele frequency attached by ClinVar (database versions not stated): gnomAD exomes below 0.00001.

Submissions (5):

Labcorp Genetics (formerly Invitae), Labcorp
Classification: Pathogenic for Hypertrophic cardiomyopathy. Last evaluated: 2025-12-15. Review status: criteria provided, single submitter. Criteria: Invitae Variant Classification Sherloc (09022015). Collection method: clinical testing. Allele origin: germline.
Comment: This sequence change replaces valine, which is neutral and non-polar, with alanine, which is neutral and non-polar, at codon 440 of the MYH7 protein (p.Val440Ala). This variant is present in population databases (no rsID available, gnomAD 0.0009%). This missense change has been observed in individuals with hypertrophic cardiomyopathy (PMID: 24793961, 32894683, 37652022; internal data). ClinVar contains an entry for this variant (Variation ID: 1005860). Invitae Evidence Modeling of protein sequence and biophysical properties (such as structural, functional, and spatial information, amino acid conservation, physicochemical variation, residue mobility, and thermodynamic stability) indicates that this missense variant is expected to disrupt MYH7 protein function with a positive predictive value of 95%. For these reasons, this variant has been classified as Pathogenic.

Ambry Genetics
Classification: Likely pathogenic for Cardiovascular phenotype. Last evaluated: 2024-07-09. Review status: criteria provided, single submitter. Criteria: Ambry Variant Classification Scheme 2023. Collection method: clinical testing. Allele origin: germline.
Comment: The p.V440A variant (also known as c.1319T>C), located in coding exon 12 of the MYH7 gene, results from a T to C substitution at nucleotide position 1319. The valine at codon 440 is replaced by alanine, an amino acid with similar properties. This alteration is located in the head domain of the MYH7 protein, which has limited benign variation, and has been detected in hypertrophic cardiomyopathy (HCM) cohorts; however, details were limited (Bos JM et al. Mayo Clin. Proc., 2014 Jun;89:727-37; van Lint FHM et al. Neth Heart J, 2019 Jun;27:304-309). A different variant affecting this codon (p.V440M, c.1318G>A) has also been detected in HCM cohorts, with several clinical labs reporting segregation with disease (Van Driest SL et al. J. Am. Coll. Cardiol., 2004 Aug;44:602-10; Bos JM et al. Mayo Clin. Proc., 2014 Jun;89:727-37; Walsh R et al. Genet. Med., 2017 02;19:192-203; LMM pers comm; OMGL pers comm). This variant is considered to be rare based on population cohorts in the Genome Aggregation Database (gnomAD). This amino acid position is highly conserved in available vertebrate species. In addition, this alteration is predicted to be deleterious by in silico analysis. Based on the majority of available evidence to date, this variant is likely to be pathogenic.

GeneDx
Classification: Uncertain significance. Last evaluated: 2022-12-22. Review status: criteria provided, single submitter. Criteria: GeneDx Variant Classification Process June 2021. Collection method: clinical testing. Allele origin: germline. Affected: yes.
Comment: Reported in an individual with HCM (Bos et al., 2014); Not observed at a significant frequency in large population cohorts (gnomAD); In silico analysis supports that this missense variant has a deleterious effect on protein structure/function; This variant is associated with the following publications: (PMID: 24793961, 27532257, 29300372, 32894683)

Clinical Genetics, Academic Medical Center
Classification: Uncertain significance. Review status: no assertion criteria provided. Collection method: clinical testing. Allele origin: germline. Affected: yes. Study: VKGL Data-share Consensus. Not counted in ClinVar's aggregate classification.

Genome Diagnostics Laboratory, University Medical Center Utrecht
Classification: Uncertain significance. Review status: no assertion criteria provided. Collection method: clinical testing. Allele origin: germline. Affected: yes. Study: VKGL Data-share Consensus. Not counted in ClinVar's aggregate classification.

Literature cited by the submitters: PubMed 24793961 (cited by Labcorp Genetics (formerly Invitae), Labcorp and Ambry Genetics); PubMed 32894683 (cited by Labcorp Genetics (formerly Invitae), Labcorp); PubMed 37652022 (cited by Labcorp Genetics (formerly Invitae), Labcorp); PubMed 15358028 (cited by Ambry Genetics); PubMed 27532257 (cited by Ambry Genetics); PubMed 30275503 (cited by Ambry Genetics); PubMed 30847666 (cited by Ambry Genetics).